The following is an entry in ClinVar:

NM_001099403.2(PRDM8):c.1871A>C (p.Gln624Pro)

Gene: PRDM8 (PR/SET domain 8; plus strand). Cytogenetic location: 4q21.21.
Variant type: single nucleotide variant.
Coding change: c.1871A>C on transcript NM_001099403.2 (MANE Select); coding-DNA position 1871, A replaced by C.
Protein change: p.Gln624Pro; replaces glutamine 624 with proline.
Molecular consequence: missense variant.
Genome position (GRCh38, 1-based): chr4:80,203,333, A>C. VCF-style: chr4-80203333-A-C. GRCh37 (hg19) VCF-style: chr4-81124487-A-C.
Other names: c.1871A>C, p.Gln624Pro (NM_020226.4); short protein forms Q624P.
Identifiers: ClinVar variation 1908272 (VCV001908272.5), dbSNP rs1578268032, ClinGen allele CA357403139.

ClinVar aggregate classification (germline): Uncertain significance (1 of 4 stars; one submission).

Conditions:
Early-onset Lafora body disease. Also called: Epilepsy, progressive myoclonic, 10. Identifiers: Orphanet 324290, MedGen C4225258, MONDO:0014717, OMIM 616640.

Submission:

Labcorp Genetics (formerly Invitae), Labcorp
Classification: Uncertain significance for Early-onset Lafora body disease. Last evaluated: 2022-02-13. Review status: criteria provided, single submitter. Criteria: Invitae Variant Classification Sherloc (09022015). Collection method: clinical testing. Allele origin: germline.
Comment: This sequence change replaces glutamine, which is neutral and polar, with proline, which is neutral and non-polar, at codon 624 of the PRDM8 protein (p.Gln624Pro). This variant is not present in population databases (gnomAD no frequency). In summary, the available evidence is currently insufficient to determine the role of this variant in disease. Therefore, it has been classified as a Variant of Uncertain Significance. Algorithms developed to predict the effect of missense changes on protein structure and function are either unavailable or do not agree on the potential impact of this missense change (SIFT: "Deleterious"; PolyPhen-2: "Benign"; Align-GVGD: "Class C0"). This variant has not been reported in the literature in individuals affected with PRDM8-related conditions.